The following is an entry in ClinVar:

NM_022552.5(DNMT3A):c.1184C>G (p.Thr395Ser)

Gene: DNMT3A (DNA methyltransferase 3 alpha; minus strand). Cytogenetic location: 2p23.3.
Variant type: single nucleotide variant.
Coding change: c.1184C>G on transcript NM_022552.5 (MANE Select); coding-DNA position 1184, C replaced by G.
Protein change: p.Thr395Ser; replaces threonine 395 with serine.
Molecular consequence: missense variant. On other transcripts: non-coding transcript variant (1).
Genome position (GRCh38, 1-based): chr2:25,246,715, G>C on the plus strand (C>G on the coding strand, the complement: DNMT3A is on the minus strand). VCF-style: chr2-25246715-G-C. GRCh37 (hg19) VCF-style: chr2-25469584-G-C.
Other names: c.728C>G, p.Thr243Ser (NM_001320893.1); c.515C>G, p.Thr172Ser (NM_001375819.1); c.617C>G, p.Thr206Ser (NM_153759.3); c.1184C>G, p.Thr395Ser (NM_175629.2); short protein forms T172S, T206S, T243S, T395S.
Identifiers: ClinVar variation 4870042 (VCV004870042.1).

ClinVar aggregate classification (germline): Uncertain significance (1 of 4 stars; one submission).

Conditions:
Inborn genetic diseases. Identifiers: MedGen C0950123, MeSH D030342.

Submission:

Ambry Genetics
Classification: Uncertain significance for Inborn genetic diseases. Last evaluated: 2026-05-23. Review status: criteria provided, single submitter. Criteria: Ambry Variant Classification Scheme 2023. Collection method: clinical testing. Allele origin: germline.
Comment: The p.T395S variant (also known as c.1184C>G), located in coding exon 9 of the DNMT3A gene, results from a C to G substitution at nucleotide position 1184. The threonine at codon 395 is replaced by serine, an amino acid with similar properties. This amino acid position is conserved. In addition, the in silico prediction for this alteration is inconclusive. Based on the available evidence, the clinical significance of this variant remains unclear.